The following is an entry in ClinVar:

NM_005502.4(ABCA1):c.4774-14A>G

Gene: ABCA1 (ATP binding cassette subfamily A member 1; minus strand). Cytogenetic location: 9q31.1.
Variant type: single nucleotide variant.
Coding change: c.4774-14A>G on transcript NM_005502.4 (MANE Select); 14 bases into the intron before coding-DNA position 4774, A replaced by G.
Molecular consequence: intron variant.
Genome position (GRCh38, 1-based): chr9:104,800,002, T>C on the plus strand (A>G on the coding strand, the complement: ABCA1 is on the minus strand). VCF-style: chr9-104800002-T-C. GRCh37 (hg19) VCF-style: chr9-107562283-T-C.
Identifiers: ClinVar variation 2959559 (VCV002959559.4), dbSNP rs374194840, ClinGen allele CA5168003.

ClinVar aggregate classification (germline): Likely benign. Review status: criteria provided, multiple submitters, no conflicts (2 of 4 stars). 2 submissions from 2 submitters: Likely benign (2). Last evaluated 2026-01-13.

Allele frequency attached by ClinVar (database versions not stated): TOPMed 0.00002; gnomAD 0.00007; ESP Exome Variant Server 0.00008; 1000 Genomes Project 30x 0.00078; gnomAD exomes 0.00006; ExAC 0.00014; 1000 Genomes Project 0.00060.
gnomAD v4.1: 106 of 1,613,960 alleles (0.0066%); highest among the groups gnomAD compares: South Asian, 0.11%; no homozygotes.

Submissions (2):

Labcorp Genetics (formerly Invitae), Labcorp
Classification: Likely benign. Last evaluated: 2026-01-13. Review status: criteria provided, single submitter. Criteria: Invitae Variant Classification Sherloc (09022015). Collection method: clinical testing. Allele origin: germline.

Women's Health and Genetics/Laboratory Corporation of America, LabCorp
Classification: Likely benign. Last evaluated: 2024-08-05. Review status: criteria provided, single submitter. Criteria: LabCorp Variant Classification Summary - May 2015. Collection method: clinical testing. Allele origin: germline.
Comment: Variant summary: ABCA1 c.4774-14A>G alters a non-conserved nucleotide located at a position not widely known to affect splicing. Consensus agreement among computation tools predict no significant impact on normal splicing. However, these predictions have yet to be confirmed by functional studies. The variant allele was found at a frequency of 0.0001 in 251080 control chromosomes. This frequency is not significantly higher than estimated for a pathogenic variant in ABCA1 causing Tangier Disease (0.0001 vs 0.0025), allowing no conclusion about variant significance. To our knowledge, no occurrence of c.4774-14A>G in individuals affected with Tangier Disease and no experimental evidence demonstrating its impact on protein function have been reported. ClinVar contains an entry for this variant (Variation ID: 2959559). Based on the evidence outlined above, the variant was classified as likely benign.